The following is an entry in ClinVar:

ClinVar aggregate classification (germline): Pathogenic. Review status: criteria provided, single submitter (1 of 4 stars). 2 submissions from 1 submitter: Pathogenic (2). Last evaluated 2020-09-04.

Conditions:
Ehlers-Danlos syndrome, classic type, 1 (EDSCL1). Also called: EHLERS-DANLOS SYNDROME, GRAVIS TYPE; EHLERS-DANLOS SYNDROME, SEVERE CLASSIC TYPE; Ehlers-Danlos syndrome, type 1; Ehlers-Danlos Syndrome, Classic Type, COL5A1-Related; EDS I. Identifiers: MedGen C0268335, MONDO:0019567, OMIM 130000.
Fibromuscular dysplasia, multifocal. Identifiers: MedGen C5543412, MONDO:0859151, OMIM 619329.

Submissions (2):

Center for Genomics, Ann and Robert H. Lurie Children's Hospital of Chicago
Classification: Pathogenic for Ehlers-Danlos syndrome, classic type, 1. Last evaluated: 2020-09-04. Review status: criteria provided, single submitter. Criteria: ACMG Guidelines, 2015. Collection method: clinical testing. Allele origin: germline.
Comment: COL5A1 NM_000093.4 exon 23 p.Gly718Alafs*86 (c.2153del): This variant has not been reported in the literature and is not present in large control databases. Evolutionary conservation and computational predictive tools for this variant are limited or unavailable. This variant creates a premature stop codon 86 amino acids downstream from this location which results in an absent or abnormal protein. Loss of function variants are a known mechanism of disease for this gene (Wenstrup 2000 PMID:10777716). In summary, this variant is classified as pathogenic.

Center for Genomics, Ann and Robert H. Lurie Children's Hospital of Chicago
Classification: Pathogenic for Ehlers-Danlos syndrome, classic type, 1; Fibromuscular dysplasia, multifocal. Review status: criteria provided, single submitter. Criteria: ACMG Guidelines, 2015. Collection method: clinical testing. Allele origin: germline.
Comment: the same text as in the submission from Center for Genomics, Ann and Robert H. Lurie Children's Hospital of Chicago above.

NM_000093.5(COL5A1):c.2153del (p.Gly718fs)

Gene: COL5A1 (collagen type V alpha 1 chain; plus strand). Cytogenetic location: 9q34.3.
Variant type: Deletion.
Coding change: c.2153del on transcript NM_000093.5 (MANE Select); coding-DNA position 2153, one base deleted (G; older notation c.2153delG).
Protein change: p.Gly718fs; shifts the reading frame from glycine 718.
Molecular consequence: frameshift variant.
Genome position (GRCh38, 1-based): chr9:134,767,019, G deleted; the last of 2 consecutive G bases (chr9:134,767,018-134,767,019); deleting either gives the same sequence. VCF-style (leftmost placement, unchanged base first): chr9-134767017-TG-T. GRCh37 (hg19) VCF-style: chr9-137658863-TG-T.
Other names: c.2153del, p.Gly718fs (NM_001278074.1); short protein forms G718fs.
Identifiers: ClinVar variation 1527853 (VCV001527853.3), dbSNP rs2132728639, ClinGen allele CA2573144129.